The following is an entry in ClinVar:

ClinVar aggregate classification (germline): Uncertain significance (1 of 4 stars; one submission).

Submission:

Labcorp Genetics (formerly Invitae), Labcorp
Classification: Uncertain significance. Last evaluated: 2022-12-16. Review status: criteria provided, single submitter. Criteria: Invitae Variant Classification Sherloc (09022015). Collection method: clinical testing. Allele origin: germline.
Comment: In summary, the available evidence is currently insufficient to determine the role of this variant in disease. Therefore, it has been classified as a Variant of Uncertain Significance. Algorithms developed to predict the effect of missense changes on protein structure and function are either unavailable or do not agree on the potential impact of this missense change (SIFT: "Not Available"; PolyPhen-2: "Probably Damaging"; Align-GVGD: "Not Available"). This variant has not been reported in the literature in individuals affected with NOG-related conditions. Information on the frequency of this variant in the gnomAD database is not available, as this variant may be reported differently in the database. This sequence change replaces arginine, which is basic and polar, with leucine, which is neutral and non-polar, at codon 171 of the NOG protein (p.Arg171Leu).

NM_005450.6(NOG):c.512_513delinsTA (p.Arg171Leu)

Gene: NOG (noggin; plus strand). Cytogenetic location: 17q22.
Variant type: Indel.
Coding change: c.512_513delinsTA on transcript NM_005450.6 (MANE Select); coding-DNA positions 512 to 513, GC replaced by TA.
Protein change: p.Arg171Leu; replaces arginine 171 with leucine.
Molecular consequence: missense variant.
Genome position (GRCh38, 1-based): chr17:56,594,735-56,594,736, GC replaced by TA. VCF-style: chr17-56594735-GC-TA. GRCh37 (hg19) VCF-style: chr17-54672096-GC-TA.
Other names: short protein forms R171L.
Identifiers: ClinVar variation 2813244 (VCV002813244.3), dbSNP rs2545137828, ClinGen allele CA2739268252.